The following is an entry in ClinVar:

NM_001367624.2(ZNF469):c.4532T>C (p.Leu1511Pro)

Gene: ZNF469 (zinc finger protein 469; plus strand). Cytogenetic location: 16q24.2.
Variant type: single nucleotide variant.
Coding change: c.4532T>C on transcript NM_001367624.2 (MANE Select); coding-DNA position 4532, T replaced by C.
Protein change: p.Leu1511Pro; replaces leucine 1511 with proline.
Molecular consequence: missense variant.
Genome position (GRCh38, 1-based): chr16:88,432,002, T>C. VCF-style: chr16-88432002-T-C. GRCh37 (hg19) VCF-style: chr16-88498410-T-C.
Other names: NM_001127464.1:c.4448T>C; short protein forms L1511P.
Identifiers: ClinVar variation 3987315 (VCV003987315.1).
Genomic context (GRCh38, chr16:88,432,002, plus strand): 5'-CGGTGCCGTCAGATCCACCGTACCCCTCTTTTTTGCTGCTTGAGGAAGTATCCCCGATGC[T>C]GCCTAGCCATTTTCCTGATCTCTCGGGGGGAAAGGTGCTCAGTAAGACGTGTCCCCCTGA-3'
Protein context (NP_001354553.1, residues 1501-1521): FLLLEEVSPM[Leu1511Pro]PSHFPDLSGG

ClinVar aggregate classification (germline): Uncertain significance (1 of 4 stars; one submission).

Conditions:
Cardiovascular phenotype. Identifiers: MedGen CN230736.

Submission:

Ambry Genetics
Classification: Uncertain significance for Cardiovascular phenotype. Last evaluated: 2025-04-02. Review status: criteria provided, single submitter. Criteria: Ambry Variant Classification Scheme 2023. Collection method: clinical testing. Allele origin: germline.
Comment: The p.L1483P variant (also known as c.4448T>C), located in coding exon 2 of the ZNF469 gene, results from a T to C substitution at nucleotide position 4448. The leucine at codon 1483 is replaced by proline, an amino acid with similar properties. This amino acid position is conserved. In addition, this alteration is predicted to be tolerated by in silico analysis. Based on the available evidence, the clinical significance of this variant remains unclear.